The following is an entry in ClinVar:

ClinVar aggregate classification (germline): Pathogenic (1 of 4 stars; one submission).

Conditions:
Primary ciliary dyskinesia. Also called: Ciliary dyskinesia. Identifiers: Orphanet 244, MedGen C0008780, MONDO:0016575, HP:0012265.

Submission:

Labcorp Genetics (formerly Invitae), Labcorp
Classification: Pathogenic for Primary ciliary dyskinesia. Last evaluated: 2023-03-27. Review status: criteria provided, single submitter. Criteria: Invitae Variant Classification Sherloc (09022015). Collection method: clinical testing. Allele origin: unknown.
Comment: For these reasons, this variant has been classified as Pathogenic. This variant disrupts a region of the DNAH5 protein in which other variant(s) (p.Gly4205Val) have been determined to be pathogenic (PMID: 16627867). This suggests that this is a clinically significant region of the protein, and that variants that disrupt it are likely to be disease-causing. This variant has not been reported in the literature in individuals affected with DNAH5-related conditions. This variant results in the deletion of exon 73 and part of exon 74 (c.12500-169_12729del) of the DNAH5 gene. It is expected to disrupt RNA splicing. Variants that disrupt the donor or acceptor splice site typically lead to a loss of protein function (PMID: 16199547), and loss-of-function variants in DNAH5 are known to be pathogenic (PMID: 11788826, 16627867).

Literature cited by the submitters: PubMed 16627867; PubMed 16199547; PubMed 11788826.

NC_000005.9:g.(?_13716776)_(13717798_?)del

Gene: DNAH5 (dynein axonemal heavy chain 5; minus strand). Cytogenetic location: 5p15.2.
Variant type: Deletion.
Identifiers: ClinVar variation 3246271 (VCV003246271.1).